The following is an entry in ClinVar:

ClinVar aggregate classification (germline): Conflicting classifications of pathogenicity. Review status: criteria provided, conflicting classifications (1 of 4 stars). 3 submissions from 3 submitters: Uncertain significance (1); Benign (1); Likely benign (1). Last evaluated 2025-08-29.

Conditions:
Inborn genetic diseases. Identifiers: MedGen C0950123, MeSH D030342.
Finnish type amyloidosis. Also called: Lattice corneal dystrophy associated with familial systemic amyloidosis; Meretoja's syndrome; Lattice dystrophy of the cornea with hereditary generalized amyloidosis; AMYLOIDOSIS, HEREDITARY SYSTEMIC 4, FINNISH TYPE; AMYLOID CRANIAL NEUROPATHY WITH LATTICE CORNEAL DYSTROPHY; AMYLOIDOSIS DUE TO MUTANT GELSOLIN. Identifiers: Orphanet 85448, MedGen C1622345, MONDO:0007097, OMIM 105120.

Allele frequency attached by ClinVar (database versions not stated): gnomAD exomes 0.00007 and 0.00014; ESP Exome Variant Server 0.00015; 1000 Genomes Project 30x 0.00016; ExAC 0.00016; 1000 Genomes Project 0.00020; TOPMed 0.00026; gnomAD 0.00027 and 0.00029.
gnomAD v4.1: 154 of 1,614,058 alleles (0.0095%); highest among the groups gnomAD compares: East Asian, 0.089%; no homozygotes.

Submissions (3):

Labcorp Genetics (formerly Invitae), Labcorp
Classification: Uncertain significance. Last evaluated: 2025-08-29. Review status: criteria provided, single submitter. Criteria: Invitae Variant Classification Sherloc (09022015). Collection method: clinical testing. Allele origin: germline.
Comment: This sequence change replaces arginine, which is basic and polar, with glutamine, which is neutral and polar, at codon 741 of the GSN protein (p.Arg741Gln). This variant is present in population databases (rs141510612, gnomAD 0.06%), and has an allele count higher than expected for a pathogenic variant. This variant has not been reported in the literature in individuals affected with GSN-related conditions. ClinVar contains an entry for this variant (Variation ID: 915196). Invitae Evidence Modeling of protein sequence and biophysical properties (such as structural, functional, and spatial information, amino acid conservation, physicochemical variation, residue mobility, and thermodynamic stability) indicates that this missense variant is not expected to disrupt GSN protein function with a negative predictive value of 80%. In summary, the available evidence is currently insufficient to determine the role of this variant in disease. Therefore, it has been classified as a Variant of Uncertain Significance.

Ambry Genetics
Classification: Likely benign for Inborn genetic diseases. Last evaluated: 2022-05-11. Review status: criteria provided, single submitter. Criteria: Ambry Variant Classification Scheme 2023. Collection method: clinical testing. Allele origin: germline.

Illumina Laboratory Services, Illumina
Classification: Benign for Finnish type amyloidosis. Last evaluated: 2018-01-13. Review status: criteria provided, single submitter. Criteria: ICSL Variant Classification Criteria 13 December 2019. Collection method: clinical testing. Allele origin: germline.
Comment: This variant was observed in the ICSL laboratory as part of a predisposition screen in an ostensibly healthy population. It had not been previously curated by ICSL or reported in the Human Gene Mutation Database (HGMD: prior to June 1st, 2018), and was therefore a candidate for classification through an automated scoring system. Utilizing variant allele frequency, disease prevalence and penetrance estimates, and inheritance mode, an automated score was calculated to assess if this variant is too frequent to cause the disease. Based on the score and internal cut-off values, a variant classified as benign is not then subjected to further curation. The score for this variant resulted in a classification of benign for this disease.

NM_198252.3(GSN):c.2069G>A (p.Arg690Gln)

Gene: GSN (gelsolin; plus strand). Cytogenetic location: 9q33.2.
Variant type: single nucleotide variant.
Coding change: c.2069G>A on transcript NM_198252.3 (MANE Select); coding-DNA position 2069, G replaced by A.
Protein change: p.Arg690Gln; replaces arginine 690 with glutamine.
Molecular consequence: missense variant.
Genome position (GRCh38, 1-based): chr9:121,332,476, G>A. VCF-style: chr9-121332476-G-A. GRCh37 (hg19) VCF-style: chr9-124094754-G-A.
Other names: c.2222G>A, p.Arg741Gln (NM_000177.5); c.2069G>A, p.Arg690Gln (NM_001127662.2, NM_001127664.2, NM_001127665.2 and 10 more transcripts); c.2177G>A, p.Arg726Gln (NM_001127663.2); c.2102G>A, p.Arg701Gln (NM_001127666.2, NM_001127667.2, NM_001353063.2 and 13 more transcripts); c.2120G>A, p.Arg707Gln (NM_001258029.2); c.2093G>A, p.Arg698Gln (NM_001258030.2); c.2141G>A, p.Arg714Gln (NM_001353076.2); c.1415G>A, p.Arg472Gln (NM_001353078.2); short protein forms R698Q, R472Q, R707Q, R690Q, R714Q, R741Q, R701Q, R726Q.
Identifiers: ClinVar variation 915196 (VCV000915196.12), dbSNP rs141510612, ClinGen allele CA5221537.